The following is an entry in ClinVar:

NM_004329.3(BMPR1A):c.530+10T>C

Gene: BMPR1A (bone morphogenetic protein receptor type 1A; plus strand). Cytogenetic location: 10q23.2.
Variant type: single nucleotide variant.
Coding change: c.530+10T>C on transcript NM_004329.3 (MANE Select); 10 bases into the intron after coding-DNA position 530, T replaced by C.
Molecular consequence: intron variant.
Genome position (GRCh38, 1-based): chr10:86,900,136, T>C. VCF-style: chr10-86900136-T-C. GRCh37 (hg19) VCF-style: chr10-88659893-T-C.
Other names: c.530+10T>C (NM_001406562.1, NM_001406568.1, NM_001406567.1 and 22 more transcripts); c.446+10T>C (NM_001406584.1, NM_001406588.1, NM_001406587.1 and 2 more transcripts); c.333+7907T>C (NM_001406589.1).
Identifiers: ClinVar variation 2752636 (VCV002752636.4), dbSNP rs2539496372, ClinGen allele CA2574600462.

ClinVar aggregate classification (germline): Likely benign. Review status: criteria provided, multiple submitters, no conflicts (2 of 4 stars). 2 submissions from 2 submitters: Likely benign (2). Last evaluated 2024-08-01.

Conditions:
Juvenile polyposis syndrome (JPS). Identifiers: Orphanet 2929, MedGen C0345893, MONDO:0017380, OMIM 174900.

Submissions (2):

Myriad Genetics, Inc.
Classification: Likely benign for Juvenile polyposis syndrome. Last evaluated: 2024-08-01. Review status: criteria provided, single submitter. Criteria: Myriad Autosomal Dominant, Autosomal Recessive and X-Linked Classification Criteria (2023). Collection method: clinical testing. Allele origin: unknown.
Comment: This variant is considered likely benign. This variant is intronic and is not expected to impact mRNA splicing.

Labcorp Genetics (formerly Invitae), Labcorp
Classification: Likely benign for Juvenile polyposis syndrome. Last evaluated: 2023-08-16. Review status: criteria provided, single submitter. Criteria: Invitae Variant Classification Sherloc (09022015). Collection method: clinical testing. Allele origin: germline.